The following is an entry in ClinVar:

ClinVar aggregate classification (germline): Pathogenic (1 of 4 stars; one submission).

Conditions:
Pitt-Hopkins-like syndrome 2 (PTHSL2). Identifiers: Orphanet 221150, Orphanet 600663, MedGen C3280479, MONDO:0013690, OMIM 614325.

Submission:

Labcorp Genetics (formerly Invitae), Labcorp
Classification: Pathogenic for Pitt-Hopkins-like syndrome 2. Last evaluated: 2022-09-07. Review status: criteria provided, single submitter. Criteria: Invitae Variant Classification Sherloc (09022015). Collection method: clinical testing. Allele origin: germline.
Comment: For these reasons, this variant has been classified as Pathogenic. This variant has not been reported in the literature in individuals affected with NRXN1-related conditions. This variant is a gross deletion of the genomic region encompassing exon(s) 10-11 of the NRXN1 gene. This deletion is out-of-frame, and is expected to create a premature termination codon and result in an absent or disrupted protein product. Loss-of-function variants in NRXN1 are known to be pathogenic (PMID: 19896112, 21964664, 23495017, 23533028, 25149956, 30031152).

Literature cited by the submitters: PubMed 19896112; PubMed 21964664; PubMed 23495017; PubMed 23533028; PubMed 25149956; PubMed 30031152.

NC_000002.12:g.(?_50538233)_(50553045_?)del

Gene: NRXN1 (neurexin 1; minus strand). Cytogenetic location: 2p16.3.
Variant type: Deletion.
Identifiers: ClinVar variation 656843 (VCV000656843.3).